The following is an entry in ClinVar:

ClinVar aggregate classification (germline): Uncertain significance (1 of 4 stars; one submission).

Conditions:
DICER1-related tumor predisposition. Also called: DICER1 syndrome; DICER1-related pleuropulmonary blastoma cancer predisposition syndrome. Identifiers: Orphanet 284343, MedGen C3839822, MONDO:0100216.

Submission:

Labcorp Genetics (formerly Invitae), Labcorp
Classification: Uncertain significance for DICER1-related tumor predisposition. Last evaluated: 2020-04-28. Review status: criteria provided, single submitter. Criteria: Invitae Variant Classification Sherloc (09022015). Collection method: clinical testing. Allele origin: germline.
Comment: This sequence change replaces leucine with proline at codon 1408 of the DICER1 protein (p.Leu1408Pro). The leucine residue is highly conserved and there is a moderate physicochemical difference between leucine and proline. This variant is not present in population databases (ExAC no frequency). This variant has not been reported in the literature in individuals with DICER1-related conditions. Algorithms developed to predict the effect of missense changes on protein structure and function (SIFT, PolyPhen-2, Align-GVGD) all suggest that this variant is likely to be disruptive, but these predictions have not been confirmed by published functional studies and their clinical significance is uncertain. In summary, the available evidence is currently insufficient to determine the role of this variant in disease. Therefore, it has been classified as a Variant of Uncertain Significance.

NM_177438.3(DICER1):c.4223T>C (p.Leu1408Pro)

Gene: DICER1 (dicer 1, ribonuclease III; minus strand). Cytogenetic location: 14q32.13.
Variant type: single nucleotide variant.
Coding change: c.4223T>C on transcript NM_177438.3 (MANE Select); coding-DNA position 4223, T replaced by C.
Protein change: p.Leu1408Pro; replaces leucine 1408 with proline.
Molecular consequence: missense variant.
Genome position (GRCh38, 1-based): chr14:95,096,697, A>G on the plus strand (T>C on the coding strand, the complement: DICER1 is on the minus strand). VCF-style: chr14-95096697-A-G. GRCh37 (hg19) VCF-style: chr14-95563034-A-G.
Other names: c.4223T>C, p.Leu1408Pro (NM_001195573.1, NM_001271282.3, NM_001291628.2 and 1 more transcripts); short protein forms L1408P.
Identifiers: ClinVar variation 1044032 (VCV001044032.10), dbSNP rs1890385860, ClinGen allele CA390869833.